The following is an entry in ClinVar:

NM_006662.3(SRCAP):c.9518A>G (p.Glu3173Gly)

Gene: SRCAP (Snf2 related CREBBP activator protein; plus strand). Cytogenetic location: 16p11.2.
Variant type: single nucleotide variant.
Coding change: c.9518A>G on transcript NM_006662.3 (MANE Select); coding-DNA position 9518, A replaced by G.
Protein change: p.Glu3173Gly; replaces glutamic acid 3173 with glycine.
Molecular consequence: missense variant.
Genome position (GRCh38, 1-based): chr16:30,739,558, A>G. VCF-style: chr16-30739558-A-G. GRCh37 (hg19) VCF-style: chr16-30750879-A-G.
Other names: short protein forms E3173G.
Identifiers: ClinVar variation 4883287 (VCV004883287.2).
Genomic context (GRCh38, chr16:30,739,558, plus strand): 5'-AGCGGGGCCGCCTACAGCCCCCAAGTCCCCTGGGGCCTGAGGGTTCAGTAGAGGAGTCTG[A>G]GGCTGAAGCCTCAGGTGAGGAGGAGGAAGGGGATGGGACCCCACGCCGACGTCCTGGCCC-3'
Protein context (NP_006653.2, residues 3163-3183): LGPEGSVEES[Glu3173Gly]AEASGEEEEG

ClinVar aggregate classification (germline): Uncertain significance (1 of 4 stars; one submission).

Conditions:
Floating-Harbor syndrome (FLHS). Also called: Short stature with delayed bone age, expressive language delay, a triangular face with a prominent nose and deep-set eyes; Pelletier-Leisti syndrome; SRCAP-Related Floating-Harbor Syndrome. Identifiers: Orphanet 2044, MedGen C0729582, MONDO:0007621, OMIM 136140.

gnomAD v4.1: 14 of 1,609,166 alleles (0.00087%); highest among the groups gnomAD compares: Non-Finnish European, 0.00093%; no homozygotes.

Submission:

Dasa
Classification: Uncertain significance for Floating-Harbor syndrome. Last evaluated: 2025-10-15. Review status: criteria provided, single submitter. Criteria: DASA Assertion Criteria. Collection method: clinical testing. Allele origin: germline.
Comment: NM_006662.3(SRCAP):c.9518A>G (p.Glu3173Gly) is a missense variant that results in the substitution of glutamic acid with glycine. This variant is rare in population databases. The currently available literature and clinical evidence are not sufficient to establish a definitive association between this variant and the reported condition. Therefore, this variant is classified as a variant of uncertain significance.